The following is an entry in ClinVar:

NM_000051.4(ATM):c.8011-14_8011-11delinsATT

Genes: ATM (ATM serine/threonine kinase; plus strand), C11orf65 (chromosome 11 open reading frame 65; minus strand). Cytogenetic location: 11q22.3.
Variant type: Indel.
Coding change: c.8011-14_8011-11delinsATT on transcript NM_000051.4 (MANE Select); 14 bases into the intron before coding-DNA position 8011 through 11 bases into the intron before coding-DNA position 8011, TATA replaced by ATT.
Molecular consequence: intron variant.
Genome position (GRCh38, 1-based): chr11:108,334,955-108,334,958, TATA replaced by ATT. VCF-style: chr11-108334955-TATA-ATT. GRCh37 (hg19) VCF-style: chr11-108205682-TATA-ATT.
Other names: c.8011-14_8011-11delinsATT (NM_001351834.2); c.641-25887_641-25884delinsAAT (NM_001330368.2); c.*38+262_*38+265delinsAAT (NM_001351110.2).
Identifiers: ClinVar variation 3254279 (VCV003254279.1), dbSNP rs2547327651.

ClinVar aggregate classification (germline): Likely benign (1 of 4 stars; one submission).

Conditions:
Familial cancer of breast. Also called: hereditary breast carcinoma; BREAST CANCER, FAMILIAL; Hereditary breast cancer. Identifiers: Orphanet 227535, MedGen C0346153, MONDO:0016419, OMIM 114480. Disease mechanism: loss of function.

Submission:

Myriad Genetics, Inc.
Classification: Likely benign for Familial cancer of breast. Last evaluated: 2024-06-18. Review status: criteria provided, single submitter. Criteria: Myriad Autosomal Dominant, Autosomal Recessive and X-Linked Classification Criteria (2023). Collection method: clinical testing. Allele origin: unknown.
Comment: This variant is considered likely benign. This variant is intronic and is not expected to impact mRNA splicing.